The following is an entry in ClinVar:

ClinVar aggregate classification (germline): Uncertain significance. Review status: criteria provided, multiple submitters, no conflicts (2 of 4 stars). 2 submissions from 2 submitters: Uncertain significance (2). Last evaluated 2023-09-05.

Conditions:
Charcot-Marie-Tooth disease, type I (CMT1). Also called: Charcot-Marie-Tooth disease type 1; Charcot-Marie-Tooth, Type 1. Identifiers: Orphanet 65753, MedGen C0751036, MONDO:0019011.

Allele frequency attached by ClinVar (database versions not stated): ExAC 0.00001; gnomAD exomes 0.00001 and 0.00003; gnomAD 0.00002 and 0.00004; TOPMed 0.00004.
gnomAD v4.1: 40 of 1,613,972 alleles (0.0025%); highest among the groups gnomAD compares: East Asian, 0.0045%; no homozygotes.

Submissions (2):

Labcorp Genetics (formerly Invitae), Labcorp
Classification: Uncertain significance for Charcot-Marie-Tooth disease, type I. Last evaluated: 2023-09-05. Review status: criteria provided, single submitter. Criteria: Invitae Variant Classification Sherloc (09022015). Collection method: clinical testing. Allele origin: germline.
Comment: In summary, the available evidence is currently insufficient to determine the role of this variant in disease. Therefore, it has been classified as a Variant of Uncertain Significance. Advanced modeling of protein sequence and biophysical properties (such as structural, functional, and spatial information, amino acid conservation, physicochemical variation, residue mobility, and thermodynamic stability) performed at Invitae indicates that this missense variant is not expected to disrupt PMP22 protein function. ClinVar contains an entry for this variant (Variation ID: 946563). This variant has not been reported in the literature in individuals affected with PMP22-related conditions. This variant is present in population databases (rs778731157, gnomAD 0.003%). This sequence change replaces serine, which is neutral and polar, with leucine, which is neutral and non-polar, at codon 128 of the PMP22 protein (p.Ser128Leu).

CeGaT Center for Human Genetics Tuebingen
Classification: Uncertain significance. Last evaluated: 2020-07-01. Review status: criteria provided, single submitter. Criteria: CeGaT Center For Human Genetics Tuebingen Variant Classification Criteria Version 2. Collection method: clinical testing. Allele origin: germline. Affected: yes. Observed: 1 variant allele.

NM_000304.4(PMP22):c.383C>T (p.Ser128Leu)

Gene: PMP22 (peripheral myelin protein 22; minus strand). Cytogenetic location: 17p12.
Variant type: single nucleotide variant.
Coding change: c.383C>T on transcript NM_000304.4 (MANE Select); coding-DNA position 383, C replaced by T.
Protein change: p.Ser128Leu; replaces serine 128 with leucine.
Molecular consequence: missense variant. On other transcripts: non-coding transcript variant (2).
Genome position (GRCh38, 1-based): chr17:15,231,017, G>A on the plus strand (C>T on the coding strand, the complement: PMP22 is on the minus strand). VCF-style: chr17-15231017-G-A. GRCh37 (hg19) VCF-style: chr17-15134334-G-A.
Other names: c.383C>T, p.Ser128Leu (NM_001281455.2, NM_001281456.2, NM_153321.3 and 1 more transcripts); short protein forms S128L.
Identifiers: ClinVar variation 946563 (VCV000946563.44), dbSNP rs778731157, ClinGen allele CA8403311.